The following is an entry in ClinVar:

NM_032043.3(BRIP1):c.2919C>T (p.Phe973=)

Gene: BRIP1 (BRCA1 interacting DNA helicase 1; minus strand). Cytogenetic location: 17q23.2.
Variant type: single nucleotide variant.
Coding change: c.2919C>T on transcript NM_032043.3 (MANE Select); coding-DNA position 2919, C replaced by T.
Protein change: p.Phe973=; no amino-acid change (phenylalanine 973 retained).
Molecular consequence: synonymous variant.
Genome position (GRCh38, 1-based): chr17:61,684,127, G>A on the plus strand (C>T on the coding strand, the complement: BRIP1 is on the minus strand). VCF-style: chr17-61684127-G-A. GRCh37 (hg19) VCF-style: chr17-59761488-G-A.
Identifiers: ClinVar variation 3378430 (VCV003378430.1).

ClinVar aggregate classification (germline): Benign (1 of 4 stars; one submission).

Conditions:
Familial cancer of breast. Also called: hereditary breast carcinoma; Hereditary breast cancer; BREAST CANCER, FAMILIAL. Identifiers: Orphanet 227535, MedGen C0346153, MONDO:0016419, OMIM 114480. Disease mechanism: loss of function.

Submission:

Myriad Genetics, Inc.
Classification: Benign for Familial cancer of breast. Last evaluated: 2024-09-09. Review status: criteria provided, single submitter. Criteria: Myriad Autosomal Dominant, Autosomal Recessive and X-Linked Classification Criteria (2023). Collection method: clinical testing. Allele origin: unknown.
Comment: This variant is considered benign. This variant is a silent/synonymous amino acid change and it is not expected to impact splicing.